The following is an entry in ClinVar:

NM_006384.4(CIB1):c.465+1G>A

Gene: CIB1 (calcium and integrin binding 1; minus strand). Cytogenetic location: 15q26.1.
Variant type: single nucleotide variant.
Coding change: c.465+1G>A on transcript NM_006384.4 (MANE Select); the canonical splice donor site of the intron after coding-DNA position 465, G replaced by A.
Molecular consequence: splice donor variant.
Genome position (GRCh38, 1-based): chr15:90,231,094, C>T on the plus strand (G>A on the coding strand, the complement: CIB1 is on the minus strand). VCF-style: chr15-90231094-C-T. GRCh37 (hg19) VCF-style: chr15-90774326-C-T.
Other names: c.585+1G>A (NM_001277764.2).
Identifiers: ClinVar variation 3065461 (VCV003065461.2), dbSNP rs914933274, ClinGen allele CA7734171.
Genomic context (GRCh38, chr15:90,231,094, plus strand): 5'-AGAGTTTCAGGCCAGAGCCCCAACTGCTCCCTCCCGCTCCCAGGCCTGCTCAGCTGCTCA[C>T]GTTGTCGATGAGCTGCTTCATCTCAGACGCACTAAGCCGTGTGTCCTCGCCCTCTCCCGT-3'

ClinVar aggregate classification (germline): Conflicting classifications of pathogenicity. Review status: criteria provided, conflicting classifications (1 of 4 stars). 2 submissions from 2 submitters: Likely pathogenic (1); Uncertain significance (1). Last evaluated 2026-03-20.

Conditions:
Epidermodysplasia verruciformis, susceptibility to, 3. Also called: Epidermodysplasia verruciformis 3. Identifiers: MedGen C4748876, MONDO:0032644, OMIM 618267.

Allele frequency attached by ClinVar (database versions not stated): ExAC 0.00001.
gnomAD v4.1: 3 of 1,613,768 alleles (0.00019%); highest among the groups gnomAD compares: South Asian, 0.0011%; no homozygotes.

Submissions (2):

GeneDx
Classification: Uncertain significance. Last evaluated: 2026-03-20. Review status: criteria provided, single submitter. Criteria: GeneDx Variant Classification Process June 2021. Collection method: clinical testing. Allele origin: germline.
Comment: Canonical splice site variant predicted to result in a null allele in a gene for which loss of function is a known mechanism of disease; Has not been previously published as pathogenic or benign to our knowledge

Genomic Medicine Center of Excellence, King Faisal Specialist Hospital and Research Centre
Classification: Likely pathogenic for Epidermodysplasia verruciformis, susceptibility to, 3. Last evaluated: 2024-03-26. Review status: criteria provided, single submitter. Criteria: ACMG Guidelines, 2015. Collection method: clinical testing. Allele origin: germline.